The following is an entry in ClinVar:

ClinVar aggregate classification (germline): Uncertain significance. Review status: criteria provided, multiple submitters, no conflicts (2 of 4 stars). 4 submissions from 4 submitters: Uncertain significance (4). Last evaluated 2025-10-14.

Conditions:
Inborn genetic diseases. Identifiers: MedGen C0950123, MeSH D030342.

Allele frequency attached by ClinVar (database versions not stated): ExAC 0.00004; gnomAD exomes 0.00006 and 0.00007.
gnomAD v4.1: 103 of 1,614,084 alleles (0.0064%); highest among the groups gnomAD compares: South Asian, 0.033%; no homozygotes.

Submissions (4):

Labcorp Genetics (formerly Invitae), Labcorp
Classification: Uncertain significance. Last evaluated: 2025-10-14. Review status: criteria provided, single submitter. Criteria: Invitae Variant Classification Sherloc (09022015). Collection method: clinical testing. Allele origin: germline.
Comment: This sequence change replaces methionine, which is neutral and non-polar, with lysine, which is basic and polar, at codon 1201 of the CENPJ protein (p.Met1201Lys). This variant is present in population databases (rs750428180, gnomAD 0.02%). This variant has not been reported in the literature in individuals affected with CENPJ-related conditions. ClinVar contains an entry for this variant (Variation ID: 1320988). Invitae Evidence Modeling of protein sequence and biophysical properties (such as structural, functional, and spatial information, amino acid conservation, physicochemical variation, residue mobility, and thermodynamic stability) indicates that this missense variant is expected to disrupt CENPJ protein function with a positive predictive value of 80%. In summary, the available evidence is currently insufficient to determine the role of this variant in disease. Therefore, it has been classified as a Variant of Uncertain Significance.

Blueprint Genetics
Classification: Uncertain significance. Last evaluated: 2024-10-10. Review status: criteria provided, single submitter. Criteria: ACMG Guidelines, 2015. Collection method: clinical testing. Allele origin: germline.

Ambry Genetics
Classification: Uncertain significance for Inborn genetic diseases. Last evaluated: 2022-06-28. Review status: criteria provided, single submitter. Criteria: Ambry Variant Classification Scheme 2023. Collection method: clinical testing. Allele origin: germline.

GeneDx
Classification: Uncertain significance. Last evaluated: 2019-11-21. Review status: criteria provided, single submitter. Criteria: GeneDx Variant Classification Process June 2021. Collection method: clinical testing. Allele origin: germline. Affected: yes.
Comment: Not observed at a significant frequency in large population cohorts (Lek et al., 2016); In silico analysis, which includes protein predictors and evolutionary conservation, supports that this variant does not alter protein structure/function; Has not been previously published as pathogenic or benign to our knowledge

NM_018451.5(CPAP):c.3602T>A (p.Met1201Lys)

Genes: CPAP (centrosome assembly and centriole elongation protein; minus strand), RNF17 (ring finger protein 17; plus strand). Cytogenetic location: 13q12.12.
Variant type: single nucleotide variant.
Coding change: c.3602T>A on transcript NM_018451.5 (MANE Select); coding-DNA position 3602, T replaced by A.
Protein change: p.Met1201Lys; replaces methionine 1201 with lysine.
Molecular consequence: missense variant. On other transcripts: non-coding transcript variant (2).
Genome position (GRCh38, 1-based): chr13:24,884,339, A>T on the plus strand (T>A on the coding strand, the complement: CPAP is on the minus strand). VCF-style: chr13-24884339-A-T. GRCh37 (hg19) VCF-style: chr13-25458477-A-T.
Other names: short protein forms M1201K.
Identifiers: ClinVar variation 1320988 (VCV001320988.6), dbSNP rs750428180, ClinGen allele CA6919224.